The following is an entry in ClinVar:

ClinVar aggregate classification (germline): Uncertain significance (1 of 4 stars; one submission).

Conditions:
Autoimmune lymphoproliferative syndrome type 1. Also called: AUTOIMMUNE LYMPHOPROLIFERATIVE SYNDROME, TYPE I, AUTOSOMAL DOMINANT. Identifiers: Orphanet 3261, MedGen C2717884, MONDO:0011158, OMIM 601859.

Submission:

Labcorp Genetics (formerly Invitae), Labcorp
Classification: Uncertain significance for Autoimmune lymphoproliferative syndrome. Last evaluated: 2023-02-24. Review status: criteria provided, single submitter. Criteria: Invitae Variant Classification Sherloc (09022015). Collection method: clinical testing. Allele origin: germline.
Comment: In summary, the available evidence is currently insufficient to determine the role of this variant in disease. Therefore, it has been classified as a Variant of Uncertain Significance. An algorithm developed to predict the effect of missense changes on protein structure and function (PolyPhen-2) suggests that this variant is likely to be disruptive. This variant has not been reported in the literature in individuals affected with FAS-related conditions. This variant is not present in population databases (gnomAD no frequency). This sequence change replaces lysine, which is basic and polar, with glutamic acid, which is acidic and polar, at codon 288 of the FAS protein (p.Lys288Glu).

NM_000043.6(FAS):c.862A>G (p.Lys288Glu)

Gene: FAS (Fas cell surface death receptor; plus strand). Cytogenetic location: 10q23.31.
Variant type: single nucleotide variant.
Coding change: c.862A>G on transcript NM_000043.6 (MANE Select); coding-DNA position 862, A replaced by G.
Protein change: p.Lys288Glu; replaces lysine 288 with glutamic acid.
Molecular consequence: missense variant. On other transcripts: 3 prime UTR variant (2), non-coding transcript variant (7).
Genome position (GRCh38, 1-based): chr10:89,014,304, A>G. VCF-style: chr10-89014304-A-G. GRCh37 (hg19) VCF-style: chr10-90774061-A-G.
Other names: c.*185A>G (NM_001320619.2); c.907A>G, p.Lys303Glu (NM_001410956.1); c.799A>G, p.Lys267Glu (NM_152871.4); c.*174A>G (NM_152872.4); short protein forms K288E, K303E, K267E.
Identifiers: ClinVar variation 2813931 (VCV002813931.3), dbSNP rs2495227797, ClinGen allele CA377509982.